The following is an entry in ClinVar:

NM_006031.6(PCNT):c.1915C>T (p.Pro639Ser)

Gene: PCNT (pericentrin; plus strand). Cytogenetic location: 21q22.3.
Variant type: single nucleotide variant.
Coding change: c.1915C>T on transcript NM_006031.6 (MANE Select); coding-DNA position 1915, C replaced by T.
Protein change: p.Pro639Ser; replaces proline 639 with serine.
Molecular consequence: missense variant.
Genome position (GRCh38, 1-based): chr21:46,355,605, C>T. VCF-style: chr21-46355605-C-T. GRCh37 (hg19) VCF-style: chr21-47775520-C-T.
Other names: c.1561C>T, p.Pro521Ser (NM_001315529.2); short protein forms P521S, P639S.
Identifiers: ClinVar variation 4994704 (VCV004994704.1).
Genomic context (GRCh38, chr21:46,355,605, plus strand): 5'-CATGTCTCAGACAGATGCTGCGTAGAGACTTCAGCATTGGGACACGAGTGGCGTCTGGAA[C>T]CCTCTGAAGGGCACAGCCAAGGTGGGCCCCTCCCGCCTCGCCATGGTGTCGGCAGGTCCC-3'
Protein context (NP_006022.3, residues 629-649): SALGHEWRLE[Pro639Ser]SEGHSQELPW

ClinVar aggregate classification (germline): Uncertain significance (1 of 4 stars; one submission).

Conditions:
PCNT-related disorder. Also called: PCNT-related condition.

gnomAD v4.1: 11 of 1,613,814 alleles (0.00068%); highest among the groups gnomAD compares: Non-Finnish European, 0.00093%; no homozygotes.

Submission:

PreventionGenetics, part of Exact Sciences
Classification: Uncertain significance for PCNT-related condition. Last evaluated: 2025-11-10. Review status: criteria provided, single submitter. Criteria: ACMG Guidelines, 2015. Collection method: clinical testing. Allele origin: germline.
Comment: The PCNT c.1915C>T variant is predicted to result in the amino acid substitution p.Pro639Ser. To our knowledge, this variant has not been reported in the literature. This variant is reported in 0.0018% of alleles in individuals of European (Non-Finnish) descent in gnomAD. At this time, the clinical significance of this variant is uncertain due to the absence of conclusive functional and genetic evidence.